The following is an entry in ClinVar:

NM_005357.4(LIPE):c.3090G>C (p.Ala1030=)

Genes: LIPE (lipase E, hormone sensitive type; minus strand), LIPE-AS1 (LIPE antisense RNA 1; plus strand), LOC101930071 (uncharacterized LOC101930071; plus strand). Cytogenetic location: 19q13.2.
Variant type: single nucleotide variant.
Coding change: c.3090G>C on transcript NM_005357.4 (MANE Select); coding-DNA position 3090, G replaced by C.
Protein change: p.Ala1030=; no amino-acid change (alanine 1030 retained).
Molecular consequence: synonymous variant.
Genome position (GRCh38, 1-based): chr19:42,401,953, C>G on the plus strand (G>C on the coding strand, the complement: LIPE is on the minus strand). VCF-style: chr19-42401953-C-G. GRCh37 (hg19) VCF-style: chr19-42906105-C-G.
Other names: c.2340G>C, p.Ala780= (NM_001416100.1); c.2325G>C, p.Ala775= (NM_001416101.1); c.2220G>C, p.Ala740= (NM_001416102.1); c.2187G>C, p.Ala729= (NM_001416103.1, NM_001416104.1); c.2097G>C, p.Ala699= (NM_001416105.1); c.1992G>C, p.Ala664= (NM_001416106.1); c.1503G>C, p.Ala501= (NM_001416107.1); c.1449G>C, p.Ala483= (NM_001416108.1).
Identifiers: ClinVar variation 3036490 (VCV003036490.2), dbSNP rs1800537, ClinGen allele CA9476572.
Genomic context (GRCh38, chr19:42,401,953, plus strand): 5'-GACGAGGCGGATGCGCTCCACGCACAGCTCTGCGGCCTGGCGCGTCTCGCGGCACAGCGC[C>G]GCTAGGGTCAGGAAGCCGTGCGGCAGGTCCTCCACCACGCGCAGCGTCACCGGCTGGCCC-3'
Protein context (NP_005348.2, residues 1020-1040): EDLPHGFLTL[Ala1030=]ALCRETRQAA

ClinVar aggregate classification (germline): Likely benign (0 of 4 stars; one submission).

Conditions:
LIPE-related disorder. Also called: LIPE-related condition.

Allele frequency attached by ClinVar (database versions not stated): ExAC 0.00050; 1000 Genomes Project 0.00060; 1000 Genomes Project 30x 0.00094.
gnomAD v4.1: 164 of 1,557,758 alleles (0.011%); highest among the groups gnomAD compares: African/African-American, 0.2%; 1 homozygote.

Submission:

PreventionGenetics, part of Exact Sciences
Classification: Likely benign for LIPE-related condition. Last evaluated: 2023-07-18. Review status: no assertion criteria provided. Collection method: clinical testing. Allele origin: germline.
Comment: This variant is classified as likely benign based on ACMG/AMP sequence variant interpretation guidelines (Richards et al. 2015 PMID: 25741868, with internal and published modifications).